The following is an entry in ClinVar:

NM_000542.5(SFTPB):c.190G>A (p.Gly64Arg)

Gene: SFTPB (surfactant protein B; minus strand). Cytogenetic location: 2p11.2.
Variant type: single nucleotide variant.
Coding change: c.190G>A on transcript NM_000542.5 (MANE Select); coding-DNA position 190, G replaced by A.
Protein change: p.Gly64Arg; replaces glycine 64 with arginine.
Molecular consequence: missense variant.
Genome position (GRCh38, 1-based): chr2:85,667,684, C>T on the plus strand (G>A on the coding strand, the complement: SFTPB is on the minus strand). VCF-style: chr2-85667684-C-T. GRCh37 (hg19) VCF-style: chr2-85894807-C-T.
Other names: NC_000002.11:g.85894807C>T; c.190G>A, p.Gly64Arg (NM_001367281.2, NM_198843.4); short protein forms G64R.
Identifiers: ClinVar variation 721228 (VCV000721228.12), dbSNP rs148914290, ClinGen allele CA1744168.

ClinVar aggregate classification (germline): Conflicting classifications of pathogenicity. Review status: criteria provided, conflicting classifications (1 of 4 stars). 4 submissions from 4 submitters: Uncertain significance (1); Likely benign (3). Last evaluated 2024-12-31.

Conditions:
Hereditary pulmonary alveolar proteinosis. Also called: Pulmonary surfactant metabolism dysfunction. Identifiers: Orphanet 264675, MedGen C3711368, MONDO:0012580.
Surfactant metabolism dysfunction, pulmonary, 1. Also called: INTERSTITIAL LUNG DISEASE DUE TO SURFACTANT PROTEIN B DEFICIENCY; INTERSTITIAL LUNG DISEASE, NONSPECIFIC, DUE TO SURFACTANT PROTEIN B DEFICIENCY; PULMONARY ALVEOLAR PROTEINOSIS, CONGENITAL, 1; Pulmonary surfactant protein B, deficiency of; Neonatal acute respiratory distress due to SP-B deficiency. Identifiers: Orphanet 217563, MedGen C1968602, MONDO:0009929, OMIM 265120.

Allele frequency attached by ClinVar (database versions not stated): gnomAD 0.00008 and 0.00009; gnomAD exomes 0.00011 and 0.00029; TOPMed 0.00017; ExAC 0.00036; 1000 Genomes Project 0.00060; 1000 Genomes Project 30x 0.00062.

Submissions (6):

Ambry Genetics
Classification: Uncertain significance for Hereditary pulmonary alveolar proteinosis. Last evaluated: 2024-12-31. Review status: criteria provided, single submitter. Criteria: Ambry Variant Classification Scheme 2023. Collection method: clinical testing. Allele origin: germline.
Comment: The p.G76R variant (also known as c.226G>A), located in coding exon 2 of the SFTPB gene, results from a G to A substitution at nucleotide position 226. The glycine at codon 76 is replaced by arginine, an amino acid with dissimilar properties. This amino acid position is conserved. In addition, this alteration is predicted to be tolerated by in silico analysis. Since supporting evidence is limited at this time, the clinical significance of this alteration remains unclear.

Blueprint Genetics
Classification: Likely benign. Last evaluated: 2024-11-05. Review status: criteria provided, single submitter. Criteria: ACMG Guidelines, 2015. Collection method: clinical testing. Allele origin: germline.

Labcorp Genetics (formerly Invitae), Labcorp
Classification: Likely benign. Last evaluated: 2018-03-05. Review status: criteria provided, single submitter. Criteria: Invitae Variant Classification Sherloc (09022015). Collection method: clinical testing. Allele origin: germline.

Illumina Laboratory Services, Illumina
Classification: Likely benign for Surfactant metabolism dysfunction, pulmonary, 1. Last evaluated: 2018-01-13. Review status: criteria provided, single submitter. Criteria: ICSL Variant Classification Criteria 13 December 2019. Collection method: clinical testing. Allele origin: germline.
Comment: This variant was observed in the ICSL laboratory as part of a predisposition screen in an ostensibly healthy population. It had not been previously curated by ICSL or reported in the Human Gene Mutation Database (HGMD: prior to June 1st, 2018), and was therefore a candidate for classification through an automated scoring system. Utilizing variant allele frequency, disease prevalence and penetrance estimates, and inheritance mode, an automated score was calculated to assess if this variant is too frequent to cause the disease. Based on the score and internal cut-off values, a variant classified as likely benign is not then subjected to further curation. The score for this variant resulted in a classification of likely benign for this disease.

Dr. Peter K. Rogan Lab, Western University
No classification provided (evidence only). Condition: Thyroid cancer, nonmedullary, 1. Review status: no classification provided. Collection method: in vitro. Allele origin: not applicable. Functional consequence: retained intron. Not counted in ClinVar's aggregate classification.

Dr. Peter K. Rogan Lab, Western University
No classification provided (evidence only). Condition: Hepatocellular carcinoma. Review status: no classification provided. Collection method: in vitro. Allele origin: not applicable. Functional consequence: retained intron. Not counted in ClinVar's aggregate classification.